The following is an entry in ClinVar:

ClinVar aggregate classification (germline): Uncertain significance. Review status: criteria provided, multiple submitters, no conflicts (2 of 4 stars). 4 submissions from 4 submitters: Uncertain significance (4). Last evaluated 2025-07-16.

Conditions:
Familial thoracic aortic aneurysm and aortic dissection (TAAD). Also called: Thoracic aortic aneurysms and dissections. Identifiers: Orphanet 91387, MedGen C4707243, MONDO:0019625.
Marfan syndrome (MFS). Also called: Marfan syndrome, classic; Marfan syndrome type 1; Marfan's syndrome; FBN1-Related Marfan Syndrome; MARFAN SYNDROME, TYPE I. Identifiers: Orphanet 284963, Orphanet 558, MedGen C0024796, MONDO:0007947, OMIM 154700.

Allele frequency attached by ClinVar (database versions not stated): gnomAD exomes 0.00001 and 0.00002.
gnomAD v4.1: 12 of 1,613,308 alleles (0.00074%); highest among the groups gnomAD compares: South Asian, 0.013%; no homozygotes.

Submissions (4):

Women's Health and Genetics/Laboratory Corporation of America, LabCorp
Classification: Uncertain significance. Last evaluated: 2025-07-16. Review status: criteria provided, single submitter. Criteria: LabCorp Variant Classification Summary - May 2015. Collection method: clinical testing. Allele origin: germline.
Comment: Variant summary: FBN1 c.7000A>T (p.Asn2334Tyr) results in a non-conservative amino acid change in the encoded protein sequence. Algorithms developed to predict the effect of missense changes on protein structure and function all suggest that this variant is likely to be disruptive. Consensus agreement among computation tools predict no significant impact on normal splicing. However, these predictions have yet to be confirmed by functional studies. The variant allele was found at a frequency of 2.4e-05 in 250370 control chromosomes. The available data on variant occurrences in the general population are insufficient to allow any conclusion about variant significance. c.7000A>T has been observed in an individual affected with suspected Marfan Syndrome (e.g. Baudhin_2015). These report(s) do not provide unequivocal conclusions about association of the variant with Marfan Syndrome. To our knowledge, no experimental evidence demonstrating an impact on protein function has been reported. The following publication has been ascertained in the context of this evaluation (PMID: 25652356). ClinVar contains an entry for this variant (Variation ID: 928188). Based on the evidence outlined above, the variant was classified as uncertain significance.

Labcorp Genetics (formerly Invitae), Labcorp
Classification: Uncertain significance for Marfan syndrome; Familial thoracic aortic aneurysm and aortic dissection. Last evaluated: 2024-07-16. Review status: criteria provided, single submitter. Criteria: Invitae Variant Classification Sherloc (09022015). Collection method: clinical testing. Allele origin: germline.
Comment: This sequence change replaces asparagine, which is neutral and polar, with tyrosine, which is neutral and polar, at codon 2334 of the FBN1 protein (p.Asn2334Tyr). This variant is present in population databases (no rsID available, gnomAD 0.02%). This missense change has been observed in individual(s) with Marfan syndrome (PMID: 25652356). ClinVar contains an entry for this variant (Variation ID: 928188). An algorithm developed to predict the effect of missense changes on protein structure and function (PolyPhen-2) suggests that this variant is likely to be disruptive. In summary, the available evidence is currently insufficient to determine the role of this variant in disease. Therefore, it has been classified as a Variant of Uncertain Significance.

All of Us Research Program, National Institutes of Health
Classification: Uncertain significance for Marfan syndrome. Last evaluated: 2024-03-05. Review status: criteria provided, single submitter. Criteria: ACMG Guidelines, 2015. Collection method: clinical testing. Allele origin: germline. Inheritance: Autosomal dominant inheritance. Observed: 1 variant allele, 1 heterozygote.
Comment: This missense variant replaces asparagine with tyrosine at codon 2334 of the FBN1 protein. Computational prediction is inconclusive regarding the impact of this variant on protein structure and function (internally defined REVEL score threshold 0.5 < inconclusive < 0.7, PMID: 27666373). Splice site prediction tools suggest that this variant may not impact RNA splicing. To our knowledge, functional studies have not been performed for this variant. This variant has not been reported in individuals affected with cardiovascular disorders in the literature. This variant has been identified in 6/250370 chromosomes in the general population by the Genome Aggregation Database (gnomAD). The available evidence is insufficient to determine the role of this variant in disease conclusively. Therefore, this variant is classified as a Variant of Uncertain Significance.

This study involves interpretation of variants in research participants for the purpose of population health screening. Participant phenotype was not available at the time of variant classification. Additional details can be found in publication PMID: 35346344, PMCID: PMC8962531

Color Diagnostics, LLC DBA Color Health
Classification: Uncertain significance for Familial thoracic aortic aneurysm and aortic dissection. Last evaluated: 2020-01-16. Review status: criteria provided, single submitter. Criteria: ACMG Guidelines, 2015. Collection method: clinical testing. Allele origin: germline.
Comment: This missense variant replaces asparagine with tyrosine at codon 2334 of the FBN1 protein. Computational prediction is inconclusive regarding the impact of this variant on protein structure and function (internally defined REVEL score threshold 0.5 < inconclusive < 0.7, PMID: 27666373). Splice site prediction tools suggest that this variant may not impact RNA splicing. To our knowledge, functional studies have not been performed for this variant. This variant has not been reported in individuals affected with cardiovascular disorders in the literature. This variant has been identified in 6/250370 chromosomes in the general population by the Genome Aggregation Database (gnomAD). The available evidence is insufficient to determine the role of this variant in disease conclusively. Therefore, this variant is classified as a Variant of Uncertain Significance.

Literature cited by the submitters: PubMed 25652356 (cited by Women's Health and Genetics/Laboratory Corporation of America, LabCorp and Labcorp Genetics (formerly Invitae), Labcorp).

NM_000138.5(FBN1):c.7000A>T (p.Asn2334Tyr)

Gene: FBN1 (fibrillin 1; minus strand). Cytogenetic location: 15q21.1.
Variant type: single nucleotide variant.
Coding change: c.7000A>T on transcript NM_000138.5 (MANE Select); coding-DNA position 7000, A replaced by T.
Protein change: p.Asn2334Tyr; replaces asparagine 2334 with tyrosine.
Molecular consequence: missense variant.
Genome position (GRCh38, 1-based): chr15:48,427,771, T>A on the plus strand (A>T on the coding strand, the complement: FBN1 is on the minus strand). VCF-style: chr15-48427771-T-A. GRCh37 (hg19) VCF-style: chr15-48719968-T-A.
Other names: short protein forms N2334Y.
Identifiers: ClinVar variation 928188 (VCV000928188.6), dbSNP rs1214531793, ClinGen allele CA392330368.